The following is an entry in ClinVar:

NM_000478.6(ALPL):c.648+5G>C

Gene: ALPL (alkaline phosphatase, biomineralization associated; plus strand). Cytogenetic location: 1p36.12.
Variant type: single nucleotide variant.
Coding change: c.648+5G>C on transcript NM_000478.6 (MANE Select); 5 bases into the intron after coding-DNA position 648, G replaced by C.
Molecular consequence: intron variant.
Genome position (GRCh38, 1-based): chr1:21,564,221, G>C. VCF-style: chr1-21564221-G-C. GRCh37 (hg19) VCF-style: chr1-21890714-G-C.
Other names: c.648+5G>C (NM_001369805.2, NM_001369804.2, NM_001369803.2); c.483+5G>C (NM_001127501.4); c.417+5G>C (NM_001177520.3).
Identifiers: ClinVar variation 1707479 (VCV001707479.3), dbSNP rs771097001, ClinGen allele CA666545.

ClinVar aggregate classification (germline): Uncertain significance. Review status: criteria provided, multiple submitters, no conflicts (2 of 4 stars). 2 submissions from 2 submitters: Uncertain significance (2). Last evaluated 2024-03-21.

Conditions:
Micromelia. Identifiers: MedGen C0025995, HP:0002983.

Allele frequency attached by ClinVar (database versions not stated): gnomAD exomes below 0.00001; TOPMed below 0.00001; ExAC 0.00001; gnomAD 0.00001.
gnomAD v4.1: 2 of 1,613,312 alleles (0.00012%); highest among the groups gnomAD compares: East Asian, 0.0045%; no homozygotes.

Submissions (2):

Labcorp Genetics (formerly Invitae), Labcorp
Classification: Uncertain significance. Last evaluated: 2024-03-21. Review status: criteria provided, single submitter. Criteria: Invitae Variant Classification Sherloc (09022015). Collection method: clinical testing. Allele origin: germline.
Comment: This sequence change falls in intron 6 of the ALPL gene. It does not directly change the encoded amino acid sequence of the ALPL protein. It affects a nucleotide within the consensus splice site. This variant is present in population databases (rs771097001, gnomAD 0.006%). This variant has not been reported in the literature in individuals affected with ALPL-related conditions. ClinVar contains an entry for this variant (Variation ID: 1707479). Variants that disrupt the consensus splice site are a relatively common cause of aberrant splicing (PMID: 17576681, 9536098). Algorithms developed to predict the effect of sequence changes on RNA splicing suggest that this variant may disrupt the consensus splice site. In summary, the available evidence is currently insufficient to determine the role of this variant in disease. Therefore, it has been classified as a Variant of Uncertain Significance.

Genomic Medicine Lab, University of California San Francisco
Classification: Uncertain significance for Micromelia. Review status: criteria provided, single submitter. Criteria: ACMG Guidelines, 2015. Collection method: clinical testing. Allele origin: maternal. Study: CSER.

Literature cited by the submitters: PubMed 17576681 (cited by Labcorp Genetics (formerly Invitae), Labcorp); PubMed 9536098 (cited by Labcorp Genetics (formerly Invitae), Labcorp).